The following is an entry in ClinVar:

NM_000455.5(STK11):c.274_275insC (p.Glu92fs)

Gene: STK11 (serine/threonine kinase 11; plus strand). Cytogenetic location: 19p13.3.
Variant type: Insertion.
Coding change: c.274_275insC on transcript NM_000455.5 (MANE Select); coding-DNA positions 274 to 275, C inserted.
Protein change: p.Glu92fs; shifts the reading frame from glutamic acid 92.
Molecular consequence: frameshift variant. On other transcripts: non-coding transcript variant (1).
Genome position: GRCh38 VCF-style: chr19-1207187-G-GC. GRCh37 (hg19) VCF-style: chr19-1207186-G-GC.
Other names: c.274_275insC, p.Glu92fs (NM_001407255.1); short protein forms E92fs.
Identifiers: ClinVar variation 5042294 (VCV005042294.1).
Genomic context (GRCh38, chr19:1,207,187, plus strand): 5'-CTGTGCAGGAGGGCCGTCAAGATCCTCAAGAAGAAGAAGTTGCGAAGGATCCCCAACGGG[G>GC]AGGCCAACGTGAAGAAGTAAGTATGGCTTGCTGGGGTCGGGGCCGGGCCGGGCCAGTCAC-3'

ClinVar aggregate classification (germline): Pathogenic (1 of 4 stars; one submission).

Conditions:
Peutz-Jeghers syndrome (PJS). Also called: POLYPOSIS, HAMARTOMATOUS INTESTINAL; POLYPS-AND-SPOTS SYNDROME; Peutz-Jeghers polyposis; Periorificial lentiginosis syndrome. Identifiers: Orphanet 2869, MedGen C0031269, MeSH D010580, MONDO:0008280, OMIM 175200.

Submission:

Myriad Genetics, Inc.
Classification: Pathogenic for Peutz-Jeghers syndrome. Last evaluated: 2026-09-16. Review status: criteria provided, single submitter. Criteria: Myriad Autosomal Dominant, Autosomal Recessive and X-Linked Classification Criteria (2023). Collection method: clinical testing. Allele origin: unknown.
Comment: This variant is considered pathogenic. This variant creates a frameshift predicted to result in premature protein truncation.